The following is an entry in ClinVar:

ClinVar aggregate classification (germline): Pathogenic (1 of 4 stars; one submission).

Conditions:
Primary ciliary dyskinesia 3. Identifiers: Orphanet 244, MedGen C1837618, MONDO:0012085, OMIM 608644.

Submission:

Myriad Genetics, Inc.
Classification: Pathogenic for Primary ciliary dyskinesia 3. Last evaluated: 2024-05-14. Review status: criteria provided, single submitter. Criteria: Myriad Autosomal Dominant, Autosomal Recessive and X-Linked Classification Criteria (2023). Collection method: clinical testing. Allele origin: unknown.
Comment: NM_001369.2(DNAH5):c.4239_4240ins13(K1414Yfs*5) is expected to be pathogenic in the context of primary ciliary dyskinesia, DNAH5-related. This variant is predicted to lead to an abnormal or absent protein product due to the creation of a premature termination codon in DNAH5, a gene where loss-of-function variants are known to be pathogenic. Please note: this variant was assessed in the context of healthy population screening.

NM_001369.3(DNAH5):c.4239_4240insTATAAGAGACAGT (p.Lys1414delinsTyrLysArgGlnTer)

Genes: DNAH5 (dynein axonemal heavy chain 5; minus strand), DNAH5-AS1 (DNAH5 antisense RNA 1; plus strand). Cytogenetic location: 5p15.2.
Variant type: Insertion.
Coding change: c.4239_4240insTATAAGAGACAGT on transcript NM_001369.3 (MANE Select); coding-DNA positions 4239 to 4240, TATAAGAGACAGT inserted.
Protein change: p.Lys1414delinsTyrLysArgGlnTer.
Molecular consequence: nonsense.
Genome position: GRCh38 VCF-style: chr5-13865783-T-TACTGTCTCTTATA. GRCh37 (hg19) VCF-style: chr5-13865892-T-TACTGTCTCTTATA.
Identifiers: ClinVar variation 5011102 (VCV005011102.1).